The following is an entry in ClinVar:

NM_001165963.4(SCN1A):c.4002+2070A>G

Genes: SCN1A (sodium voltage-gated channel alpha subunit 1; minus strand), LOC102724058 (uncharacterized LOC102724058; plus strand). Cytogenetic location: 2q24.3.
Variant type: single nucleotide variant.
Coding change: c.4002+2070A>G on transcript NM_001165963.4 (MANE Select); 2070 bases into the intron after coding-DNA position 4002, A replaced by G.
Molecular consequence: intron variant.
Genome position (GRCh38, 1-based): chr2:166,007,649, T>C on the plus strand (A>G on the coding strand, the complement: SCN1A is on the minus strand). VCF-style: chr2-166007649-T-C. GRCh37 (hg19) VCF-style: chr2-166864159-T-C.
Other names: c.3969+2070A>G (NM_001353949.2, NM_001353950.2, NM_001353951.2 and 2 more transcripts); c.3918+2070A>G (NM_001353958.2, NM_001353957.2, NM_001165964.3); c.4002+2070A>G (NM_001202435.3, NM_001353948.2); c.3966+2070A>G (NM_001353955.2, NM_001353954.2); c.3915+2070A>G (NM_001353960.2); c.1560+2070A>G (NM_001353961.2).
Identifiers: ClinVar variation 2831338 (VCV002831338.3), dbSNP rs2468474687, ClinGen allele CA2739271483.
Genomic context (GRCh38, chr2:166,007,649, plus strand): 5'-AGCCAGAAATGTGCATAAAACATGCAAAACACAAAGTGCAACGTGATGATAATTTATTTG[T>C]TACTTTCTAACTTCTTATCAAGCACTGTACAACATGCTTTATTCAGTAATGTTGCATAAA-3'

ClinVar aggregate classification (germline): Uncertain significance (1 of 4 stars; one submission).

Conditions:
Early-infantile DEE. Also called: Early infantile epileptic encephalopathy; Early infantile epileptic encephalopathy with suppression bursts; Ohtahara syndrome. Identifiers: Orphanet 1934, MedGen C0393706, MONDO:0800491.

Submission:

Labcorp Genetics (formerly Invitae), Labcorp
Classification: Uncertain significance for Early-infantile DEE. Last evaluated: 2024-06-18. Review status: criteria provided, single submitter. Criteria: Invitae Variant Classification Sherloc (09022015). Collection method: clinical testing. Allele origin: germline.
Comment: This sequence change falls in intron 20 of the SCN1A gene. It does not directly change the encoded amino acid sequence of the SCN1A protein. However, this sequence change falls within a region encompassing a cryptic exon in the SCN1A gene, in which variants have been shown to alter splicing (PMID: 30526861, 34107977). This variant is not present in population databases (gnomAD no frequency). This variant has not been reported in the literature in individuals affected with SCN1A-related conditions. Algorithms developed to predict the effect of sequence changes on RNA splicing suggest that this variant is not likely to affect RNA splicing. In summary, the available evidence is currently insufficient to determine the role of this variant in disease. Therefore, it has been classified as a Variant of Uncertain Significance.

Literature cited by the submitters: PubMed 30526861; PubMed 34107977.